The following is an entry in ClinVar:

NM_145290.4(ADGRA3):c.2166A>G (p.Ile722Met)

Gene: ADGRA3 (adhesion G protein-coupled receptor A3; minus strand). Cytogenetic location: 4p15.2.
Variant type: single nucleotide variant.
Coding change: c.2166A>G on transcript NM_145290.4 (MANE Select); coding-DNA position 2166, A replaced by G.
Protein change: p.Ile722Met; replaces isoleucine 722 with methionine.
Molecular consequence: missense variant.
Genome position (GRCh38, 1-based): chr4:22,413,248, T>C on the plus strand (A>G on the coding strand, the complement: ADGRA3 is on the minus strand). VCF-style: chr4-22413248-T-C. GRCh37 (hg19) VCF-style: chr4-22414871-T-C.
Other names: short protein forms I722M.
Identifiers: ClinVar variation 1374597 (VCV001374597.6), dbSNP rs779952033, ClinGen allele CA2873721.

ClinVar aggregate classification (germline): Uncertain significance (1 of 4 stars; one submission).

gnomAD v4.1: 10 of 1,614,006 alleles (0.00062%); highest among the groups gnomAD compares: Non-Finnish European, 0.00085%; no homozygotes.

Submission:

Labcorp Genetics (formerly Invitae), Labcorp
Classification: Uncertain significance. Last evaluated: 2025-01-27. Review status: criteria provided, single submitter. Criteria: Invitae Variant Classification Sherloc (09022015). Collection method: clinical testing. Allele origin: germline.
Comment: This sequence change replaces isoleucine, which is neutral and non-polar, with methionine, which is neutral and non-polar, at codon 722 of the ADGRA3 protein (p.Ile722Met). This variant is present in population databases (rs779952033, gnomAD 0.004%). This variant has not been reported in the literature in individuals affected with ADGRA3-related conditions. ClinVar contains an entry for this variant (Variation ID: 1374597). An algorithm developed to predict the effect of missense changes on protein structure and function (PolyPhen-2) suggests that this variant is likely to be disruptive. In summary, the available evidence is currently insufficient to determine the role of this variant in disease. Therefore, it has been classified as a Variant of Uncertain Significance.